The following is an entry in ClinVar:

ClinVar aggregate classification (germline): Uncertain significance (1 of 4 stars; one submission).

gnomAD v4.1: 1 of 1,557,098 alleles (0.000064%); highest among the groups gnomAD compares: African/African-American, 0.0014%; no homozygotes.

Submission:

Ambry Genetics
Classification: Uncertain significance. Last evaluated: 2025-10-13. Review status: criteria provided, single submitter. Criteria: Ambry Variant Classification Scheme 2023. Collection method: clinical testing. Allele origin: germline.
Comment: The p.E2098G variant (also known as c.6293A>G), located in coding exon 27 of the WNK2 gene, results from an A to G substitution at nucleotide position 6293. The glutamic acid at codon 2098 is replaced by glycine, an amino acid with similar properties. This amino acid position is conserved. In addition, this alteration is predicted to be tolerated by in silico analysis. Based on the available evidence, the clinical significance of this variant remains unclear.

NM_006648.4(WNK2):c.6293A>G (p.Glu2098Gly)

Gene: WNK2 (WNK lysine deficient protein kinase 2; plus strand). Cytogenetic location: 9q22.31.
Variant type: single nucleotide variant.
Coding change: c.6293A>G on transcript NM_006648.4 (MANE Select); coding-DNA position 6293, A replaced by G.
Protein change: p.Glu2098Gly; replaces glutamic acid 2098 with glycine.
Molecular consequence: missense variant.
Genome position (GRCh38, 1-based): chr9:93,308,361, A>G. VCF-style: chr9-93308361-A-G. GRCh37 (hg19) VCF-style: chr9-96070643-A-G.
Other names: c.6404A>G, p.Glu2135Gly (NM_001282394.3); short protein forms E2098G, E2135G.
Identifiers: ClinVar variation 4605248 (VCV004605248.1).